The following is an entry in ClinVar:

NM_000383.4(AIRE):c.1321A>G (p.Thr441Ala)

Gene: AIRE (autoimmune regulator; plus strand). Cytogenetic location: 21q22.3.
Variant type: single nucleotide variant.
Coding change: c.1321A>G on transcript NM_000383.4 (MANE Select); coding-DNA position 1321, A replaced by G.
Protein change: p.Thr441Ala; replaces threonine 441 with alanine.
Molecular consequence: missense variant.
Genome position (GRCh38, 1-based): chr21:44,293,831, A>G. VCF-style: chr21-44293831-A-G. GRCh37 (hg19) VCF-style: chr21-45713714-A-G.
Other names: short protein forms T441A.
Identifiers: ClinVar variation 1475199 (VCV001475199.6), dbSNP rs768250058, ClinGen allele CA10052060.

ClinVar aggregate classification (germline): Uncertain significance (1 of 4 stars; one submission).

Conditions:
Polyglandular autoimmune syndrome, type 1 (APS1). Also called: AUTOIMMUNE POLYENDOCRINE SYNDROME, TYPE I, WITH OR WITHOUT REVERSIBLE METAPHYSEAL DYSPLASIA; Autoimmune polyendocrine syndrome type 1; HYPOADRENOCORTICISM WITH HYPOPARATHYROIDISM AND SUPERFICIAL MONILIASIS; Autoimmune polyendocrinopathy syndrome , type I, with or without reversible metaphyseal dysplasia; Whitaker syndrome; Autoimmune polyendocrinopathy syndrome, type I. Identifiers: Orphanet 3453, MedGen C0085859, MONDO:0009411, OMIM 240300.

Allele frequency attached by ClinVar (database versions not stated): gnomAD exomes below 0.00001; ExAC 0.00001.

Submission:

Labcorp Genetics (formerly Invitae), Labcorp
Classification: Uncertain significance for Polyglandular autoimmune syndrome, type 1. Last evaluated: 2022-09-13. Review status: criteria provided, single submitter. Criteria: Invitae Variant Classification Sherloc (09022015). Collection method: clinical testing. Allele origin: germline.
Comment: This sequence change replaces threonine, which is neutral and polar, with alanine, which is neutral and non-polar, at codon 441 of the AIRE protein (p.Thr441Ala). This variant is not present in population databases (gnomAD no frequency). This variant has not been reported in the literature in individuals affected with AIRE-related conditions. ClinVar contains an entry for this variant (Variation ID: 1475199). Advanced modeling of protein sequence and biophysical properties (such as structural, functional, and spatial information, amino acid conservation, physicochemical variation, residue mobility, and thermodynamic stability) performed at Invitae indicates that this missense variant is not expected to disrupt AIRE protein function. In summary, the available evidence is currently insufficient to determine the role of this variant in disease. Therefore, it has been classified as a Variant of Uncertain Significance.